The following is an entry in ClinVar:

ClinVar aggregate classification (germline): Uncertain significance. Review status: criteria provided, multiple submitters, no conflicts (2 of 4 stars). 4 submissions from 4 submitters: Uncertain significance (4). Last evaluated 2025-11-11.

Conditions:
Hereditary cancer-predisposing syndrome. Also called: Tumor predisposition; Hereditary Cancer Syndrome; Neoplastic Syndromes, Hereditary; Hereditary neoplastic syndrome. Identifiers: Orphanet 140162, MedGen C0027672, MeSH D009386, MONDO:0015356.
Ataxia-telangiectasia syndrome (AT). Also called: Cerebello-oculocutaneous telangiectasia; Immunodeficiency with ataxia telangiectasia; Ataxia telangiectasia (A-T); LOUIS-BAR SYNDROME; ATAXIA-TELANGIECTASIA, COMPLEMENTATION GROUP A; ATAXIA-TELANGIECTASIA, FRESNO VARIANT. Identifiers: Orphanet 100, MedGen C0004135, MONDO:0008840, OMIM 208900.

Allele frequency attached by ClinVar (database versions not stated): TOPMed below 0.00001.

Submissions (4):

Labcorp Genetics (formerly Invitae), Labcorp
Classification: Uncertain significance for Ataxia-telangiectasia syndrome. Last evaluated: 2025-11-11. Review status: criteria provided, single submitter. Criteria: Invitae Variant Classification Sherloc (09022015). Collection method: clinical testing. Allele origin: germline.
Comment: This sequence change replaces aspartic acid, which is acidic and polar, with valine, which is neutral and non-polar, at codon 985 of the ATM protein (p.Asp985Val). This variant is not present in population databases (gnomAD no frequency). This variant has not been reported in the literature in individuals affected with ATM-related conditions. ClinVar contains an entry for this variant (Variation ID: 219567). Invitae Evidence Modeling of protein sequence and biophysical properties (such as structural, functional, and spatial information, amino acid conservation, physicochemical variation, residue mobility, and thermodynamic stability) indicates that this missense variant is not expected to disrupt ATM protein function with a negative predictive value of 95%. In summary, the available evidence is currently insufficient to determine the role of this variant in disease. Therefore, it has been classified as a Variant of Uncertain Significance.

Ambry Genetics
Classification: Uncertain significance for Hereditary cancer-predisposing syndrome. Last evaluated: 2025-02-04. Review status: criteria provided, single submitter. Criteria: Ambry Variant Classification Scheme 2023. Collection method: clinical testing. Allele origin: germline.
Comment: The p.D985V variant (also known as c.2954A>T), located in coding exon 19 of the ATM gene, results from an A to T substitution at nucleotide position 2954. The aspartic acid at codon 985 is replaced by valine, an amino acid with highly dissimilar properties. This alteration has been reported in at least one subject in a study of 13087 breast cancer cases and 5488 control individuals in the UK (Decker B et al. J. Med. Genet., 2017 11;54:732-741). This amino acid position is not well conserved in available vertebrate species. In addition, the in silico prediction for this alteration is inconclusive. Based on the available evidence, the clinical significance of this variant remains unclear.

Color Diagnostics, LLC DBA Color Health
Classification: Uncertain significance for Hereditary cancer-predisposing syndrome. Last evaluated: 2024-08-12. Review status: criteria provided, single submitter. Criteria: ACMG Guidelines, 2015. Collection method: clinical testing. Allele origin: germline.
Comment: This missense variant replaces aspartic acid with valine at codon 985 of the ATM protein. Computational prediction is inconclusive regarding the impact of this variant on protein structure and function. To our knowledge, functional studies have not been reported for this variant. This variant has not been reported in individuals affected with ATM-related disorders in the literature. This variant has not been identified in the general population by the Genome Aggregation Database (gnomAD). The available evidence is insufficient to determine the role of this variant in disease conclusively. Therefore, this variant is classified as a Variant of Uncertain Significance.

GeneDx
Classification: Uncertain significance. Last evaluated: 2017-09-14. Review status: criteria provided, single submitter. Criteria: GeneDx Variant Classification (06012015). Collection method: clinical testing. Allele origin: germline. Affected: yes.
Comment: This variant is denoted ATM c.2954A>T at the cDNA level, p.Asp985Val (D985V) at the protein level, and results in the change of an Aspartic Acid to a Valine (GAT>GTT). This variant has not, to our knowledge, been published in the literature as pathogenic or benign. ATM Asp985Val was not observed in large population cohorts (NHLBI Exome Sequencing Project, The 1000 Genomes Consortium 2015, Lek 2016). Since Aspartic Acid and Valine differ in polarity, charge, size or other properties, this is considered a non-conservative amino acid substitution. ATM Asp985Val occurs at a position where amino acids with properties similar to Aspartic Acid are tolerated across species and is located within the beta-adaptin interaction domain (Tavtigian 2009). In silico analyses predict that this variant is probably damaging to protein structure and function. Based on currently available evidence, it is unclear whether ATM Asp985Val is a pathogenic or benign variant. We consider it to be a variant of uncertain significance.

Literature cited by the submitters: PubMed 28779002 (cited by Ambry Genetics).

NM_000051.4(ATM):c.2954A>T (p.Asp985Val)

Gene: ATM (ATM serine/threonine kinase; plus strand). Cytogenetic location: 11q22.3.
Variant type: single nucleotide variant.
Coding change: c.2954A>T on transcript NM_000051.4 (MANE Select); coding-DNA position 2954, A replaced by T.
Protein change: p.Asp985Val; replaces aspartic acid 985 with valine.
Molecular consequence: missense variant.
Genome position (GRCh38, 1-based): chr11:108,271,283, A>T. VCF-style: chr11-108271283-A-T. GRCh37 (hg19) VCF-style: chr11-108142010-A-T.
Other names: c.2954A>T, p.Asp985Val (NM_001351834.2); short protein forms D985V.
Identifiers: ClinVar variation 219567 (VCV000219567.22), dbSNP rs864622159, ClinGen allele CA349582.
Genomic context (GRCh38, chr11:108,271,283, plus strand): 5'-TTGAACTTTTTTTTTTTTTTTACCACAGCAATGTGTGTTCTTTGTATCGTCGTGACCAAG[A>T]TGTTTGTAAAACTATTTTAAACCATGTCCTTCATGTAGTGAAAAACCTAGGTCAAAGCAA-3'
Protein context (NP_000042.3, residues 975-995): NVCSLYRRDQ[Asp985Val]VCKTILNHVL